The following is an entry in ClinVar:

NM_003737.4(DCHS1):c.4201C>A (p.Pro1401Thr)

Gene: DCHS1 (dachsous cadherin-related 1; minus strand). Cytogenetic location: 11p15.4.
Variant type: single nucleotide variant.
Coding change: c.4201C>A on transcript NM_003737.4 (MANE Select); coding-DNA position 4201, C replaced by A.
Protein change: p.Pro1401Thr; replaces proline 1401 with threonine.
Molecular consequence: missense variant.
Genome position (GRCh38, 1-based): chr11:6,630,593, G>T on the plus strand (C>A on the coding strand, the complement: DCHS1 is on the minus strand). VCF-style: chr11-6630593-G-T. GRCh37 (hg19) VCF-style: chr11-6651824-G-T.
Other names: short protein forms P1401T.
Identifiers: ClinVar variation 2761503 (VCV002761503.3), dbSNP rs2493825283, ClinGen allele CA379406927.

ClinVar aggregate classification (germline): Uncertain significance (1 of 4 stars; one submission).

Allele frequency attached by ClinVar (database versions not stated): gnomAD exomes below 0.00001.
gnomAD v4.1: 1 of 1,540,608 alleles (0.000065%); no homozygotes.

Submission:

Labcorp Genetics (formerly Invitae), Labcorp
Classification: Uncertain significance. Last evaluated: 2023-12-14. Review status: criteria provided, single submitter. Criteria: Invitae Variant Classification Sherloc (09022015). Collection method: clinical testing. Allele origin: germline.
Comment: This sequence change replaces proline, which is neutral and non-polar, with threonine, which is neutral and polar, at codon 1401 of the DCHS1 protein (p.Pro1401Thr). This variant is not present in population databases (gnomAD no frequency). This variant has not been reported in the literature in individuals affected with DCHS1-related conditions. Advanced modeling of protein sequence and biophysical properties (such as structural, functional, and spatial information, amino acid conservation, physicochemical variation, residue mobility, and thermodynamic stability) performed at Invitae indicates that this missense variant is expected to disrupt DCHS1 protein function with a positive predictive value of 80%. In summary, the available evidence is currently insufficient to determine the role of this variant in disease. Therefore, it has been classified as a Variant of Uncertain Significance.